The following is an entry in ClinVar:

NM_001655.5(ARCN1):c.1099C>T (p.Gln367Ter)

Gene: ARCN1 (archain 1 coat protein complex I subunit delta; plus strand). Cytogenetic location: 11q23.3.
Variant type: single nucleotide variant.
Coding change: c.1099C>T on transcript NM_001655.5 (MANE Select); coding-DNA position 1099, C replaced by T.
Protein change: p.Gln367Ter; replaces glutamine 367 with a stop codon.
Molecular consequence: nonsense.
Genome position (GRCh38, 1-based): chr11:118,592,823, C>T. VCF-style: chr11-118592823-C-T. GRCh37 (hg19) VCF-style: chr11-118463538-C-T.
Other names: c.835C>T, p.Gln279Ter (NM_001142281.2); short protein forms Q279*, Q367*.
Identifiers: ClinVar variation 2114861 (VCV002114861.4), dbSNP rs2497714207, ClinGen allele CA382813087.

ClinVar aggregate classification (germline): Pathogenic (1 of 4 stars; one submission).

Submission:

Labcorp Genetics (formerly Invitae), Labcorp
Classification: Pathogenic. Last evaluated: 2023-08-10. Review status: criteria provided, single submitter. Criteria: Invitae Variant Classification Sherloc (09022015). Collection method: clinical testing. Allele origin: germline.
Comment: For these reasons, this variant has been classified as Pathogenic. ClinVar contains an entry for this variant (Variation ID: 2114861). This variant has not been reported in the literature in individuals affected with ARCN1-related conditions. This variant is not present in population databases (gnomAD no frequency). This sequence change creates a premature translational stop signal (p.Gln367*) in the ARCN1 gene. It is expected to result in an absent or disrupted protein product. Loss-of-function variants in ARCN1 are known to be pathogenic (PMID: 27476655).

Literature cited by the submitters: PubMed 27476655.